The following is an entry in ClinVar:

NM_004312.3(ARR3):c.214C>T (p.Arg72Ter)

Gene: ARR3 (arrestin 3; plus strand). Cytogenetic location: Xq13.1.
Variant type: single nucleotide variant.
Coding change: c.214C>T on transcript NM_004312.3 (MANE Select); coding-DNA position 214, C replaced by T.
Protein change: p.Arg72Ter; replaces arginine 72 with a stop codon.
Molecular consequence: nonsense.
Genome position (GRCh38, 1-based): chrX:70,276,150, C>T. VCF-style: chrX-70276150-C-T. GRCh37 (hg19) VCF-style: chrX-69496000-C-T.
Other names: R72*.
Identifiers: ClinVar variation 1697230 (VCV001697230.3), dbSNP rs2147641058, ClinGen allele CA413475247.

ClinVar aggregate classification (germline): Pathogenic/Likely pathogenic. Review status: criteria provided, multiple submitters, no conflicts (2 of 4 stars). 3 submissions from 3 submitters: Pathogenic (1); Likely pathogenic (1). 1 of the submissions does not count toward it. Last evaluated 2023-09-28.

Conditions:
ARR3-related disorder. Also called: ARR3-related condition.
Myopia 26, X-linked, female-limited. Identifiers: MedGen C4538795, MONDO:0049221, OMIM 301010.

gnomAD v4.1: 3 of 1,211,608 alleles (0.00025%); highest among the groups gnomAD compares: Non-Finnish European, 0.00034%; no homozygotes.

Submissions (3):

PreventionGenetics, part of Exact Sciences
Classification: Pathogenic for ARR3-related condition. Last evaluated: 2023-09-28. Review status: criteria provided, single submitter. Criteria: ACMG Guidelines, 2015. Collection method: clinical testing. Allele origin: germline.
Comment: The ARR3 c.214C>T variant is predicted to result in premature protein termination (p.Arg72*). This variant has been reported as segregating with disease in the female members of two large kindreds with early-onset high myopia (Széll et al. 2021. PubMed ID: 33482870; van Mazijk et al. 2022. PubMed ID: 35001458). This variant has also been reported in the heterozygous state in an additional, unrelated individual with high myopia (Table S1 in Haarman et al. 2022. PubMed ID: 35567543). This variant has not been reported in a large population database, indicating this variant is rare. Nonsense variants in ARR3 are expected to be pathogenic. Given the evidence, we interpret c.214C>T (p.Arg72*) as pathogenic.

Blueprint Genetics
Classification: Likely pathogenic for ARR3-related disorders. Last evaluated: 2022-08-29. Review status: criteria provided, single submitter. Criteria: ACMG Guidelines, 2015. Collection method: clinical testing. Allele origin: germline. Affected: yes. Observed: 1 variant allele.

OMIM
Classification: Pathogenic for MYOPIA 26, X-LINKED, FEMALE-LIMITED. Last evaluated: 2022-07-21. Review status: no assertion criteria provided. Collection method: literature only. Allele origin: germline. Not counted in ClinVar's aggregate classification.

Literature cited by the submitters: PubMed 33482870 (cited by OMIM).